The following is an entry in ClinVar:

NM_020975.6(RET):c.1264-14_1264-13del

Gene: RET (ret proto-oncogene; plus strand). Cytogenetic location: 10q11.21.
Variant type: Deletion.
Coding change: c.1264-14_1264-13del on transcript NM_020975.6 (MANE Select); 14 bases into the intron before coding-DNA position 1264 through 13 bases into the intron before coding-DNA position 1264, 2 bases deleted (CT; older notation c.1264-14_1264-13delCT).
Molecular consequence: intron variant.
Genome position (GRCh38, 1-based): chr10:43,111,193-43,111,194, CT deleted. VCF-style (leftmost placement, unchanged base first): chr10-43111192-CCT-C. GRCh37 (hg19) VCF-style: chr10-43606640-CCT-C.
Other names: c.1264-14_1264-13del (NM_020630.7, NM_001406743.1, NM_001406744.1 and 4 more transcripts); c.868-14_868-13del (NM_001406772.1, NM_001406769.1); c.826-14_826-13del (NM_001406773.1, NM_001406771.1); c.626-906_626-905del (NM_001406782.1, NM_001406780.1, NM_001406779.1 and 3 more transcripts); c.1135-14_1135-13del (NM_001406764.1, NM_001406762.1, NM_001406761.1 and 1 more transcripts); c.739-14_739-13del (NM_001406774.1); c.497-906_497-905del (NM_001406786.1, NM_001406783.1); c.976-14_976-13del (NM_001406770.1, NM_001406766.1, NM_001406767.1); and 5 more.
Identifiers: ClinVar variation 3387590 (VCV003387590.1).

ClinVar aggregate classification (germline): Likely benign (1 of 4 stars; one submission).

Conditions:
Multiple endocrine neoplasia, type 2 (MEN2). Identifiers: Orphanet 653, MedGen C4048306, MONDO:0019003. Disease mechanism: gain of function.

Submission:

All of Us Research Program, National Institutes of Health
Classification: Likely benign for Multiple endocrine neoplasia, type 2. Last evaluated: 2024-04-25. Review status: criteria provided, single submitter. Criteria: ACMG Guidelines, 2015. Collection method: clinical testing. Allele origin: germline. Inheritance: Autosomal dominant inheritance. Observed: 1 variant allele, 1 heterozygote.
Comment: This study involves interpretation of variants in research participants for the purpose of population health screening. Participant phenotype was not available at the time of variant classification. Additional details can be found in publication PMID: 35346344, PMCID: PMC8962531